The following is an entry in ClinVar:

NM_025144.4(ALPK1):c.1612A>C (p.Asn538His)

Gene: ALPK1 (alpha kinase 1; plus strand). Cytogenetic location: 4q25.
Variant type: single nucleotide variant.
Coding change: c.1612A>C on transcript NM_025144.4 (MANE Select); coding-DNA position 1612, A replaced by C.
Protein change: p.Asn538His; replaces asparagine 538 with histidine.
Molecular consequence: missense variant.
Genome position (GRCh38, 1-based): chr4:112,431,159, A>C. VCF-style: chr4-112431159-A-C. GRCh37 (hg19) VCF-style: chr4-113352315-A-C.
Other names: c.1612A>C, p.Asn538His (NM_001102406.2); c.1378A>C, p.Asn460His (NM_001253884.2); short protein forms N460H, N538H.
Identifiers: ClinVar variation 1715016 (VCV001715016.5), dbSNP rs2476503804, ClinGen allele CA357895726.

ClinVar aggregate classification (germline): Uncertain significance (1 of 4 stars; one submission).

Submission:

Labcorp Genetics (formerly Invitae), Labcorp
Classification: Uncertain significance. Last evaluated: 2022-11-14. Review status: criteria provided, single submitter. Criteria: Invitae Variant Classification Sherloc (09022015). Collection method: clinical testing. Allele origin: germline.
Comment: In summary, the available evidence is currently insufficient to determine the role of this variant in disease. Therefore, it has been classified as a Variant of Uncertain Significance. Advanced modeling of protein sequence and biophysical properties (such as structural, functional, and spatial information, amino acid conservation, physicochemical variation, residue mobility, and thermodynamic stability) performed at Invitae indicates that this missense variant is not expected to disrupt ALPK1 protein function. This variant has not been reported in the literature in individuals affected with ALPK1-related conditions. This variant is not present in population databases (gnomAD no frequency). This sequence change replaces asparagine, which is neutral and polar, with histidine, which is basic and polar, at codon 538 of the ALPK1 protein (p.Asn538His).